The following is an entry in ClinVar:

NM_001122630.2(CDKN1C):c.199C>T (p.Gln67Ter)

Gene: CDKN1C (cyclin dependent kinase inhibitor 1C; minus strand). Cytogenetic location: 11p15.4.
Variant type: single nucleotide variant.
Coding change: c.199C>T on transcript NM_001122630.2 (MANE Select); coding-DNA position 199, C replaced by T.
Protein change: p.Gln67Ter; replaces glutamine 67 with a stop codon.
Molecular consequence: nonsense.
Genome position (GRCh38, 1-based): chr11:2,885,258, G>A on the plus strand (C>T on the coding strand, the complement: CDKN1C is on the minus strand). VCF-style: chr11-2885258-G-A. GRCh37 (hg19) VCF-style: chr11-2906488-G-A.
Other names: c.232C>T, p.Gln78Ter (NM_000076.2, NM_001362474.2); c.199C>T, p.Gln67Ter (NM_001122631.2, NM_001362475.2); short protein forms Q67*, Q78*.
Identifiers: ClinVar variation 1070416 (VCV001070416.7), dbSNP rs2133785734, ClinGen allele CA379147309.
Genomic context (GRCh38, chr11:2,885,258, plus strand): 5'-CCACCTGCACCGTCTCGCGGTAGAACGCGGGCACCGAGTCGCTGTCCACTTCGGTCCACT[G>A]CAGGCGTCCAGGGCCCCGCAGCGGCATGTCCTGCTGGAAGTCGTAATCCCAGCGGTTCTG-3'

ClinVar aggregate classification (germline): Pathogenic (1 of 4 stars; one submission).

Conditions:
Beckwith-Wiedemann syndrome (BWS). Also called: EMG SYNDROME; Exomphalos macroglossia gigantism syndrome. Identifiers: Orphanet 116, MedGen C0004903, MONDO:0007534, OMIM 130650.

Submission:

Labcorp Genetics (formerly Invitae), Labcorp
Classification: Pathogenic for Beckwith-Wiedemann syndrome. Last evaluated: 2023-08-14. Review status: criteria provided, single submitter. Criteria: Invitae Variant Classification Sherloc (09022015). Collection method: clinical testing. Allele origin: germline.
Comment: This sequence change creates a premature translational stop signal (p.Gln78*) in the CDKN1C gene. It is expected to result in an absent or disrupted protein product. Loss-of-function variants in CDKN1C are known to be pathogenic (PMID: 20503313). This variant is not present in population databases (gnomAD no frequency). This premature translational stop signal has been observed in individual(s) with Beckwith-Wiedemann syndrome (PMID: 19386358). In at least one individual the variant was observed to be de novo. ClinVar contains an entry for this variant (Variation ID: 1070416). For these reasons, this variant has been classified as Pathogenic.

Literature cited by the submitters: PubMed 20503313; PubMed 19386358.